The following is an entry in ClinVar:

NM_198576.4(AGRN):c.1177+4A>G

Gene: AGRN (agrin; plus strand). Cytogenetic location: 1p36.33.
Variant type: single nucleotide variant.
Coding change: c.1177+4A>G on transcript NM_198576.4 (MANE Select); 4 bases into the intron after coding-DNA position 1177, A replaced by G.
Molecular consequence: intron variant.
Genome position (GRCh38, 1-based): chr1:1,041,706, A>G. VCF-style: chr1-1041706-A-G. GRCh37 (hg19) VCF-style: chr1-977086-A-G.
Other names: c.1177+4A>G (NM_001305275.2); c.862+4A>G (NM_001364727.2).
Identifiers: ClinVar variation 966554 (VCV000966554.12), dbSNP rs28397093, ClinGen allele CA508030.

ClinVar aggregate classification (germline): Uncertain significance. Review status: criteria provided, multiple submitters, no conflicts (2 of 4 stars). 2 submissions from 2 submitters: Uncertain significance (2). Last evaluated 2025-09-24.

Conditions:
Congenital myasthenic syndrome 8. Also called: Myasthenic syndrome, congenital, 8, with pre- and postsynaptic defects; MYASTHENIC SYNDROME, CONGENITAL, DUE TO AGRIN DEFICIENCY. Identifiers: Orphanet 590, MedGen C3808739, MONDO:0014052, OMIM 615120.

Allele frequency attached by ClinVar (database versions not stated): gnomAD exomes below 0.00001 and 0.00003; ESP Exome Variant Server 0.00016; ExAC 0.00021.

Submissions (2):

GeneDx
Classification: Uncertain significance. Last evaluated: 2025-09-24. Review status: criteria provided, single submitter. Criteria: GeneDx Variant Classification Process June 2021. Collection method: clinical testing. Allele origin: germline. Affected: yes.
Comment: Not observed at significant frequency in large population cohorts (gnomAD); Has not been previously published as pathogenic or benign to our knowledge; In silico analysis suggests this variant may impact gene splicing. In the absence of RNA/functional studies, the actual effect of this sequence change is unknown.

Labcorp Genetics (formerly Invitae), Labcorp
Classification: Uncertain significance for Congenital myasthenic syndrome 8. Last evaluated: 2023-12-06. Review status: criteria provided, single submitter. Criteria: Invitae Variant Classification Sherloc (09022015). Collection method: clinical testing. Allele origin: germline.
Comment: This sequence change falls in intron 6 of the AGRN gene. It does not directly change the encoded amino acid sequence of the AGRN protein. It affects a nucleotide within the consensus splice site. The frequency data for this variant in the population databases is considered unreliable, as metrics indicate poor data quality at this position in the gnomAD database. This variant has not been reported in the literature in individuals affected with AGRN-related conditions. ClinVar contains an entry for this variant (Variation ID: 966554). Variants that disrupt the consensus splice site are a relatively common cause of aberrant splicing (PMID: 17576681, 9536098). Algorithms developed to predict the effect of sequence changes on RNA splicing suggest that this variant may disrupt the consensus splice site. In summary, the available evidence is currently insufficient to determine the role of this variant in disease. Therefore, it has been classified as a Variant of Uncertain Significance.

Literature cited by the submitters: PubMed 17576681 (cited by Labcorp Genetics (formerly Invitae), Labcorp); PubMed 9536098 (cited by Labcorp Genetics (formerly Invitae), Labcorp).